The following is an entry in ClinVar:

ClinVar aggregate classification (germline): Uncertain significance (1 of 4 stars; one submission).

Conditions:
Neurofibromatosis, type 1 (NF1). Also called: VON RECKLINGHAUSEN DISEASE; NEUROFIBROMATOSIS, TYPE I, SOMATIC; Neurofibromatosis, type I; Peripheral type neurofibromatosis. Identifiers: Orphanet 636, MedGen C0027831, MONDO:0018975, OMIM 162200. Disease mechanism: loss of function.

Submission:

Labcorp Genetics (formerly Invitae), Labcorp
Classification: Uncertain significance for Neurofibromatosis, type 1. Last evaluated: 2021-12-09. Review status: criteria provided, single submitter. Criteria: Invitae Variant Classification Sherloc (09022015). Collection method: clinical testing. Allele origin: germline.
Comment: This sequence change replaces proline, which is neutral and non-polar, with histidine, which is basic and polar, at codon 2046 of the NF1 protein (p.Pro2046His). This variant is not present in population databases (gnomAD no frequency). This variant has not been reported in the literature in individuals affected with NF1-related conditions. Advanced modeling of protein sequence and biophysical properties (such as structural, functional, and spatial information, amino acid conservation, physicochemical variation, residue mobility, and thermodynamic stability) performed at Invitae indicates that this missense variant is expected to disrupt NF1 protein function. In summary, the available evidence is currently insufficient to determine the role of this variant in disease. Therefore, it has been classified as a Variant of Uncertain Significance.

NM_001042492.3(NF1):c.6200C>A (p.Pro2067His)

Gene: NF1 (neurofibromin 1; plus strand). Cytogenetic location: 17q11.2.
Variant type: single nucleotide variant.
Coding change: c.6200C>A on transcript NM_001042492.3 (MANE Select); coding-DNA position 6200, C replaced by A.
Protein change: p.Pro2067His; replaces proline 2067 with histidine.
Molecular consequence: missense variant.
Genome position (GRCh38, 1-based): chr17:31,336,687, C>A. VCF-style: chr17-31336687-C-A. GRCh37 (hg19) VCF-style: chr17-29663705-C-A.
Other names: c.6137C>A, p.Pro2046His (NM_000267.4); short protein forms P2046H, P2067H.
Identifiers: ClinVar variation 1427453 (VCV001427453.6), dbSNP rs2151554428, ClinGen allele CA399011864.
Genomic context (GRCh38, chr17:31,336,687, plus strand): 5'-CTTTACAGGTTATTGGAAGGATGTGCAAAATAATTGACAAGACATGCTTATCTCCAACTC[C>A]TACTTTAGAACAACATCTTATGTGGGATGATATTGCTATTTTAGCACGCTACATGCTGAT-3'
Protein context (NP_001035957.1, residues 2057-2077): IIDKTCLSPT[Pro2067His]TLEQHLMWDD